The following is an entry in ClinVar:

ClinVar aggregate classification (germline): Uncertain significance (1 of 4 stars; one submission).

Conditions:
Desbuquois dysplasia 1 (DBQD1). Also called: DESBUQUOIS DYSPLASIA 1, KIM VARIANT; MICROMELIC DWARFISM WITH VERTEBRAL AND METAPHYSEAL ABNORMALITIES AND ADVANCED CARPOTARSAL OSSIFICATION. Identifiers: Orphanet 1425, MedGen C4012146, MONDO:0009629, OMIM 251450.

Submission:

Labcorp Genetics (formerly Invitae), Labcorp
Classification: Uncertain significance for Desbuquois dysplasia 1. Last evaluated: 2022-10-17. Review status: criteria provided, single submitter. Criteria: Invitae Variant Classification Sherloc (09022015). Collection method: clinical testing. Allele origin: germline.
Comment: In summary, the available evidence is currently insufficient to determine the role of this variant in disease. Therefore, it has been classified as a Variant of Uncertain Significance. This variant has not been reported in the literature in individuals affected with XYLT1-related conditions. The frequency data for this variant in the population databases is considered unreliable, as metrics indicate poor data quality at this position in the gnomAD database. This variant, c.80_82dup, results in the insertion of 1 amino acid(s) of the XYLT1 protein (p.Leu27dup), but otherwise preserves the integrity of the reading frame.

NM_022166.4(XYLT1):c.71TGC[5] (p.Leu27_Gln28insLeu)

Gene: XYLT1 (xylosyltransferase 1; minus strand). Cytogenetic location: 16p12.3.
Variant type: Microsatellite.
Coding change: c.71TGC[5] on transcript NM_022166.4 (MANE Select); five copies in a row of the 3-base unit TGC starting at c.71; the reference has four copies in a row; one copy, 3 bases duplicated.
Protein change: p.Leu27_Gln28insLeu.
Molecular consequence: inframe insertion.
Genome position (GRCh38, 1-based): chr16:17,470,715-17,470,717, GCA duplicated on the plus strand (TGC on the coding strand, the reverse complement: XYLT1 is on the minus strand); duplicating any 3 consecutive bases within chr16:17,470,715-17,470,726 gives the same sequence; the position shown is the placement nearest the transcript's 3' end. VCF-style (leftmost placement, unchanged base first): chr16-17470714-T-TGCA. GRCh37 (hg19) VCF-style: chr16-17564571-T-TGCA.
Identifiers: ClinVar variation 2144309 (VCV002144309.2), dbSNP rs1209914632, ClinGen allele CA621664144.